The following is an entry in ClinVar:

NM_000077.5(CDKN2A):c.458-50C>T

Gene: CDKN2A (cyclin dependent kinase inhibitor 2A; minus strand). Cytogenetic location: 9p21.3.
Variant type: single nucleotide variant.
Coding change: c.458-50C>T on transcript NM_000077.5 (MANE Select); 50 bases into the intron before coding-DNA position 458, C replaced by T.
Molecular consequence: intron variant.
Genome position (GRCh38, 1-based): chr9:21,968,292, G>A on the plus strand (C>T on the coding strand, the complement: CDKN2A is on the minus strand). VCF-style: chr9-21968292-G-A. GRCh37 (hg19) VCF-style: chr9-21968291-G-A.
Other names: c.305-50C>T (NM_001363763.2); c.*102-50C>T (NM_058195.4); c.*151-50C>T (NM_001195132.2); c.*381-50C>T (NM_058197.5).
Identifiers: ClinVar variation 4294169 (VCV004294169.1).
Genomic context (GRCh38, chr9:21,968,292, plus strand): 5'-ATCGGGGATGTCTGCAGAGGGCAGAAAGAAAACAGGCGTTAGAAACCTGAGGTCAAAGAT[G>A]TGTGGCACATCCCGCCCTCCTCTCTTGCCGTCCCTACCGGCATTGAAATACTTATGGATA-3'

ClinVar aggregate classification (germline): Benign (1 of 4 stars; one submission).

Conditions:
Melanoma-pancreatic cancer syndrome. Identifiers: Orphanet 404560, MedGen C1838547, MONDO:0011713, OMIM 606719. Disease mechanism: loss of function.

gnomAD v4.1: 18 of 1,603,602 alleles (0.0011%); highest among the groups gnomAD compares: South Asian, 0.017%; no homozygotes.

Submission:

Myriad Genetics, Inc.
Classification: Benign for Melanoma-pancreatic cancer syndrome. Last evaluated: 2025-08-18. Review status: criteria provided, single submitter. Criteria: Myriad Autosomal Dominant, Autosomal Recessive and X-Linked Classification Criteria (2023). Collection method: clinical testing. Allele origin: unknown.
Comment: This variant is considered benign. This variant is intronic and is not expected to impact mRNA splicing.